The following is an entry in ClinVar:

NM_015466.4(PTPN23):c.4852C>T (p.Arg1618Trp)

Gene: PTPN23 (protein tyrosine phosphatase non-receptor type 23; plus strand). Cytogenetic location: 3p21.31.
Variant type: single nucleotide variant.
Coding change: c.4852C>T on transcript NM_015466.4 (MANE Select); coding-DNA position 4852, C replaced by T.
Protein change: p.Arg1618Trp; replaces arginine 1618 with tryptophan.
Molecular consequence: missense variant.
Genome position (GRCh38, 1-based): chr3:47,413,126, C>T. VCF-style: chr3-47413126-C-T. GRCh37 (hg19) VCF-style: chr3-47454616-C-T.
Other names: c.4474C>T, p.Arg1492Trp (NM_001304482.2); c.4852C>T (NM_015466.2); short protein forms R1492W, R1618W.
Identifiers: ClinVar variation 1508107 (VCV001508107.6), dbSNP rs767302372, ClinGen allele CA2366727.
Genomic context (GRCh38, chr3:47,413,126, plus strand): 5'-CAGCGGATGAGCAAGCATAACTTTCTGCAGGCCCATAACGGGCAAGGGCTGCGGGCCACC[C>T]GGCCCTCTGACGACCCCCTCAGCCTTCTGGATCCACTCTGGACACTCAACAAGACCTGAA-3'
Protein context (NP_056281.1, residues 1608-1628): AHNGQGLRAT[Arg1618Trp]PSDDPLSLLD

ClinVar aggregate classification (germline): Uncertain significance. Review status: criteria provided, multiple submitters, no conflicts (2 of 4 stars). 2 submissions from 2 submitters: Uncertain significance (2). Last evaluated 2022-06-27.

Conditions:
Inborn genetic diseases. Identifiers: MedGen C0950123, MeSH D030342.

Allele frequency attached by ClinVar (database versions not stated): ExAC 0.00001; gnomAD 0.00001 and 0.00002; TOPMed 0.00001; gnomAD exomes 0.00002.

Submissions (2):

Labcorp Genetics (formerly Invitae), Labcorp
Classification: Uncertain significance. Last evaluated: 2022-06-27. Review status: criteria provided, single submitter. Criteria: Invitae Variant Classification Sherloc (09022015). Collection method: clinical testing. Allele origin: germline.
Comment: This sequence change replaces arginine, which is basic and polar, with tryptophan, which is neutral and slightly polar, at codon 1618 of the PTPN23 protein (p.Arg1618Trp). This variant is present in population databases (rs767302372, gnomAD 0.007%). This variant has not been reported in the literature in individuals affected with PTPN23-related conditions. Algorithms developed to predict the effect of missense changes on protein structure and function are either unavailable or do not agree on the potential impact of this missense change (SIFT: "Deleterious"; PolyPhen-2: "Not Available"; Align-GVGD: "Class C0"). In summary, the available evidence is currently insufficient to determine the role of this variant in disease. Therefore, it has been classified as a Variant of Uncertain Significance.

Ambry Genetics
Classification: Uncertain significance for Inborn genetic diseases. Last evaluated: 2021-08-10. Review status: criteria provided, single submitter. Criteria: Ambry Variant Classification Scheme 2023. Collection method: clinical testing. Allele origin: germline.